The following is an entry in ClinVar:

ClinVar aggregate classification (germline): Uncertain significance. Review status: criteria provided, multiple submitters, no conflicts (2 of 4 stars). 2 submissions from 2 submitters: Uncertain significance (2). Last evaluated 2024-01-03.

Conditions:
Cardiomyopathy (CMYO). Also called: Cardiomyopathies. Identifiers: Orphanet 167848, MedGen C0878544, MONDO:0004994, HP:0001638. Inheritance: Various modes of inheritance.
Hypertrophic cardiomyopathy. Also called: HYPERTROPHIC MYOCARDIOPATHY. Identifiers: Orphanet 217569, MedGen C0007194, MeSH D002312, MONDO:0005045, HP:0001639.

Allele frequency attached by ClinVar (database versions not stated): gnomAD exomes below 0.00001; TOPMed below 0.00001.
gnomAD v4.1: 1 of 1,612,102 alleles (0.000062%); highest among the groups gnomAD compares: Admixed American, 0.0017%; no homozygotes.

Submissions (2):

All of Us Research Program, National Institutes of Health
Classification: Uncertain significance for Hypertrophic cardiomyopathy. Last evaluated: 2024-01-03. Review status: criteria provided, single submitter. Criteria: ACMG Guidelines, 2015. Collection method: clinical testing. Allele origin: germline. Inheritance: Autosomal dominant inheritance. Observed: 2 variant alleles, 2 heterozygotes.
Comment: Variant of Uncertain Significance due to insufficient evidence: This missense variant is located in the Ig-like domain C1 domain of the MYBPC3 protein. Computational prediction tools and conservation analyses are inconclusive regarding the impact of this variant on the protein function. Computational splicing tools suggest that this variant may not impact RNA splicing. To our knowledge, functional assays have not been performed for this variant. This variant has been reported in an individual with familial dilated cardiomyopathy (PMID: 26899768). This variant has been identified in 1/243210 chromosomes in the general population by the Genome Aggregation Database (gnomAD). Available evidence is insufficient to determine the pathogenicity of this variant conclusively.

This study involves interpretation of variants in research participants for the purpose of population health screening. Participant phenotype was not available at the time of variant classification. Additional details can be found in publication PMID: 35346344, PMCID: PMC8962531

Color Diagnostics, LLC DBA Color Health
Classification: Uncertain significance for Cardiomyopathy. Last evaluated: 2023-10-19. Review status: criteria provided, single submitter. Criteria: ACMG Guidelines, 2015. Collection method: clinical testing. Allele origin: germline.
Comment: This missense variant replaces aspartic acid with glutamic acid at codon 198 of the MYBPC3 protein. Computational prediction suggests that this variant may not impact protein structure and function (internally defined REVEL score threshold <= 0.5, PMID: 27666373). To our knowledge, functional studies have not been reported for this variant. This variant has not been reported in individuals affected with MYBPC3-related disorders in the literature. This variant has been identified in 1/245752 chromosomes in the general population by the Genome Aggregation Database (gnomAD). The available evidence is insufficient to determine the role of this variant in disease conclusively. Therefore, this variant is classified as a Variant of Uncertain Significance.

Literature cited by the submitters: PubMed 26899768 (cited by All of Us Research Program, National Institutes of Health).

NM_000256.3(MYBPC3):c.594C>A (p.Asp198Glu)

Gene: MYBPC3 (myosin binding protein C3; minus strand). Cytogenetic location: 11p11.2.
Variant type: single nucleotide variant.
Coding change: c.594C>A on transcript NM_000256.3 (MANE Select); coding-DNA position 594, C replaced by A.
Protein change: p.Asp198Glu; replaces aspartic acid 198 with glutamic acid.
Molecular consequence: missense variant.
Genome position (GRCh38, 1-based): chr11:47,349,834, G>T on the plus strand (C>A on the coding strand, the complement: MYBPC3 is on the minus strand). VCF-style: chr11-47349834-G-T. GRCh37 (hg19) VCF-style: chr11-47371385-G-T.
Other names: c.594C>A, p.Asp198Glu (LRG_386t1); short protein forms D198E.
Identifiers: ClinVar variation 629498 (VCV000629498.5), dbSNP rs1318614905, ClinGen allele CA380337636.